The following is an entry in ClinVar:

NM_000388.4(CASR):c.2122G>A (p.Ala708Thr)

Gene: CASR (calcium sensing receptor; plus strand). Cytogenetic location: 3q21.1.
Variant type: single nucleotide variant.
Coding change: c.2122G>A on transcript NM_000388.4 (MANE Select); coding-DNA position 2122, G replaced by A.
Protein change: p.Ala708Thr; replaces alanine 708 with threonine.
Molecular consequence: missense variant.
Genome position (GRCh38, 1-based): chr3:122,284,076, G>A. VCF-style: chr3-122284076-G-A. GRCh37 (hg19) VCF-style: chr3-122002923-G-A.
Other names: c.2152G>A, p.Ala718Thr (NM_001178065.2); short protein forms A708T, A718T.
Identifiers: ClinVar variation 975995 (VCV000975995.4), dbSNP rs2074931493, ClinGen allele CA354158646.

ClinVar aggregate classification (germline): Uncertain significance. Review status: criteria provided, multiple submitters, no conflicts (2 of 4 stars). 2 submissions from 2 submitters: Uncertain significance (2). Last evaluated 2023-04-27.

Conditions:
Idiopathic generalized epilepsy. Also called: Generalised epilepsy; EIG. Identifiers: MedGen C0270850, MONDO:0005579, OMIM 600669.
Familial hypocalciuric hypercalcemia (FHH). Also called: Familial benign hypercalcemia. Identifiers: Orphanet 405, MedGen C1809471, MONDO:0018458.
Autosomal dominant hypocalcemia 1 (HYPOC1). Also called: HYPOCALCEMIA, FAMILIAL. Identifiers: MedGen C3715128, MONDO:0011013, OMIM 601198.

Submissions (2):

Labcorp Genetics (formerly Invitae), Labcorp
Classification: Uncertain significance for Familial hypocalciuric hypercalcemia; Autosomal dominant hypocalcemia 1. Last evaluated: 2023-04-27. Review status: criteria provided, single submitter. Criteria: Invitae Variant Classification Sherloc (09022015). Collection method: clinical testing. Allele origin: germline.
Comment: This sequence change replaces alanine, which is neutral and non-polar, with threonine, which is neutral and polar, at codon 708 of the CASR protein (p.Ala708Thr). This variant is not present in population databases (gnomAD no frequency). In summary, the available evidence is currently insufficient to determine the role of this variant in disease. Therefore, it has been classified as a Variant of Uncertain Significance. An algorithm developed to predict the effect of missense changes on protein structure and function (PolyPhen-2) suggests that this variant is likely to be disruptive. ClinVar contains an entry for this variant (Variation ID: 975995). This variant has not been reported in the literature in individuals affected with CASR-related conditions.

Institute of Human Genetics, University of Leipzig Medical Center
Classification: Uncertain significance for Idiopathic generalized epilepsy. Last evaluated: 2019-06-18. Review status: criteria provided, single submitter. Criteria: ACMG Guidelines, 2015. Collection method: clinical testing. Allele origin: germline. Affected: yes. Observed: 1 variant allele.